The following is an entry in ClinVar:

ClinVar aggregate classification (germline): Benign/Likely benign. Review status: criteria provided, multiple submitters, no conflicts (2 of 4 stars). 5 submissions from 5 submitters: Benign (2); Likely benign (3). Last evaluated 2025-01-15.

Conditions:
Idiopathic generalized epilepsy. Also called: Generalised epilepsy; EIG. Identifiers: MedGen C0270850, MONDO:0005579, OMIM 600669.
Hyperaldosteronism, familial, type IV (HALD4). Also called: FH IV; ALDOSTERONISM, PRIMARY, AND HYPERTENSION. Identifiers: Orphanet 642671, MedGen C4310756, MONDO:0014875, OMIM 617027.
Epilepsy, childhood absence, susceptibility to, 6. Identifiers: Orphanet 64280, MedGen C2749872, MONDO:0012763, OMIM 611942.

Allele frequency attached by ClinVar (database versions not stated): TOPMed 0.00014; ESP Exome Variant Server 0.00016; gnomAD 0.00017; gnomAD exomes 0.00025; 1000 Genomes Project 0.00040; ExAC 0.00051; 1000 Genomes Project 30x 0.00062.
gnomAD v4.1: 295 of 1,566,408 alleles (0.019%); highest among the groups gnomAD compares: Middle Eastern, 0.037%; no homozygotes.

Submissions (5):

Labcorp Genetics (formerly Invitae), Labcorp
Classification: Benign for Idiopathic generalized epilepsy; Hyperaldosteronism, familial, type IV. Last evaluated: 2025-01-15. Review status: criteria provided, single submitter. Criteria: Invitae Variant Classification Sherloc (09022015). Collection method: clinical testing. Allele origin: germline.

Blueprint Genetics
Classification: Likely benign. Last evaluated: 2024-11-06. Review status: criteria provided, single submitter. Criteria: ACMG Guidelines, 2015. Collection method: clinical testing. Allele origin: germline.

CeGaT Center for Human Genetics Tuebingen
Classification: Likely benign. Last evaluated: 2024-02-01. Review status: criteria provided, single submitter. Criteria: CeGaT Center For Human Genetics Tuebingen Variant Classification Criteria Version 2. Collection method: clinical testing. Allele origin: germline. Affected: yes. Observed: 1 variant allele.
Comment: CACNA1H: BP4

Fulgent Genetics
Classification: Likely benign for Epilepsy, childhood absence, susceptibility to, 6; Hyperaldosteronism, familial, type IV. Last evaluated: 2022-04-14. Review status: criteria provided, single submitter. Criteria: ACMG Guidelines, 2015. Collection method: clinical testing. Allele origin: unknown.

Athena Diagnostics
Classification: Benign. Last evaluated: 2018-03-21. Review status: criteria provided, single submitter. Criteria: Athena Diagnostics Criteria. Collection method: clinical testing. Allele origin: germline.

NM_021098.3(CACNA1H):c.2604-5C>T

Gene: CACNA1H (calcium voltage-gated channel subunit alpha1 H; plus strand). Cytogenetic location: 16p13.3.
Variant type: single nucleotide variant.
Coding change: c.2604-5C>T on transcript NM_021098.3 (MANE Select); 5 bases into the intron before coding-DNA position 2604, C replaced by T.
Molecular consequence: intron variant.
Genome position (GRCh38, 1-based): chr16:1,206,099, C>T. VCF-style: chr16-1206099-C-T. GRCh37 (hg19) VCF-style: chr16-1256099-C-T.
Other names: c.2604-5C>T (NM_001005407.2).
Identifiers: ClinVar variation 585635 (VCV000585635.35), dbSNP rs191783113, ClinGen allele CA7800383.